The following is an entry in ClinVar:

ClinVar aggregate classification (germline): Uncertain significance. Review status: criteria provided, multiple submitters, no conflicts (2 of 4 stars). 2 submissions from 2 submitters: Uncertain significance (2). Last evaluated 2024-12-26.

Conditions:
Pallister-Hall syndrome (PHS). Also called: GLI3-Related Pallister-Hall Syndrome; HYPOTHALAMIC HAMARTOBLASTOMA, HYPOPITUITARISM, IMPERFORATE ANUS, AND POSTAXIAL POLYDACTYLY. Identifiers: Orphanet 672, MedGen C0265220, MONDO:0007804, OMIM 146510.
Polydactyly, postaxial, type A1. Identifiers: MedGen C4282400, MONDO:0008266, OMIM 174200.
Polysyndactyly 4. Also called: Polysyndactyly uncomplicated; Preaxial polydactyly 4. Identifiers: Orphanet 93338, MedGen C1868111, MONDO:0008272, OMIM 174700.
Greig cephalopolysyndactyly syndrome (GCPS). Also called: GLI3-Related Greig Cephalopolysyndactyly Syndrome; POLYSYNDACTYLY WITH PECULIAR SKULL SHAPE; Greig syndrome. Identifiers: Orphanet 380, MedGen C0265306, MONDO:0008287, OMIM 175700.

Allele frequency attached by ClinVar (database versions not stated): TOPMed below 0.00001.
gnomAD v4.1: 2 of 1,608,964 alleles (0.00012%); highest among the groups gnomAD compares: East Asian, 0.0022%; no homozygotes.

Submissions (2):

Labcorp Genetics (formerly Invitae), Labcorp
Classification: Uncertain significance for Pallister-Hall syndrome; Greig cephalopolysyndactyly syndrome. Last evaluated: 2024-12-26. Review status: criteria provided, single submitter. Criteria: Invitae Variant Classification Sherloc (09022015). Collection method: clinical testing. Allele origin: germline.
Comment: This sequence change replaces methionine, which is neutral and non-polar, with isoleucine, which is neutral and non-polar, at codon 948 of the GLI3 protein (p.Met948Ile). This variant is present in population databases (no rsID available, gnomAD 0.006%). This missense change has been observed in individual(s) with polydactyly (PMID: 28127823, 30993914). ClinVar contains an entry for this variant (Variation ID: 2927186). Invitae Evidence Modeling of protein sequence and biophysical properties (such as structural, functional, and spatial information, amino acid conservation, physicochemical variation, residue mobility, and thermodynamic stability) indicates that this missense variant is not expected to disrupt GLI3 protein function with a negative predictive value of 95%. In summary, the available evidence is currently insufficient to determine the role of this variant in disease. Therefore, it has been classified as a Variant of Uncertain Significance.

Fulgent Genetics
Classification: Uncertain significance for Pallister-Hall syndrome; Polydactyly, postaxial, type A1; Polysyndactyly 4; Greig cephalopolysyndactyly syndrome. Last evaluated: 2024-05-15. Review status: criteria provided, single submitter. Criteria: ACMG Guidelines, 2015. Collection method: clinical testing. Allele origin: germline.

Literature cited by the submitters: PubMed 28127823 (cited by Labcorp Genetics (formerly Invitae), Labcorp); PubMed 30993914 (cited by Labcorp Genetics (formerly Invitae), Labcorp).

NM_000168.6(GLI3):c.2844G>A (p.Met948Ile)

Gene: GLI3 (GLI family zinc finger 3; minus strand). Cytogenetic location: 7p14.1.
Variant type: single nucleotide variant.
Coding change: c.2844G>A on transcript NM_000168.6 (MANE Select); coding-DNA position 2844, G replaced by A.
Protein change: p.Met948Ile; replaces methionine 948 with isoleucine.
Molecular consequence: missense variant.
Genome position (GRCh38, 1-based): chr7:41,966,229, C>T on the plus strand (G>A on the coding strand, the complement: GLI3 is on the minus strand). VCF-style: chr7-41966229-C-T. GRCh37 (hg19) VCF-style: chr7-42005827-C-T.
Other names: short protein forms M948I.
Identifiers: ClinVar variation 2927186 (VCV002927186.4), dbSNP rs1180124277, ClinGen allele CA367320229.